The following is an entry in ClinVar:

NM_017534.6(MYH2):c.3851G>C (p.Gly1284Ala)

Genes: MYHAS (myosin heavy chain gene cluster antisense RNA; plus strand), MYH2 (myosin heavy chain 2; minus strand). Cytogenetic location: 17p13.1.
Variant type: single nucleotide variant.
Coding change: c.3851G>C on transcript NM_017534.6 (MANE Select); coding-DNA position 3851, G replaced by C.
Protein change: p.Gly1284Ala; replaces glycine 1284 with alanine.
Molecular consequence: missense variant.
Genome position (GRCh38, 1-based): chr17:10,527,768, C>G on the plus strand (G>C on the coding strand, the complement: MYH2 is on the minus strand). VCF-style: chr17-10527768-C-G. GRCh37 (hg19) VCF-style: chr17-10431085-C-G.
Other names: c.3851G>C, p.Gly1284Ala (NM_001100112.2); short protein forms G1284A.
Identifiers: ClinVar variation 1898456 (VCV001898456.5), dbSNP rs1281918221, ClinGen allele CA398131467.

ClinVar aggregate classification (germline): Uncertain significance (1 of 4 stars; one submission).

Conditions:
Myopathy, proximal, and ophthalmoplegia (CMYO6). Also called: INCLUSION BODY MYOPATHY 3, AUTOSOMAL DOMINANT; CONGENITAL MYOPATHY 6 WITH OPHTHALMOPLEGIA; MYOPATHY WITH CONGENITAL JOINT CONTRACTURES, OPHTHALMOPLEGIA, AND RIMMED VACUOLES. Identifiers: Orphanet 363677, Orphanet 79091, MedGen C1854106, MONDO:0011577, OMIM 605637.

Submission:

Labcorp Genetics (formerly Invitae), Labcorp
Classification: Uncertain significance for Myopathy, proximal, and ophthalmoplegia. Last evaluated: 2022-09-27. Review status: criteria provided, single submitter. Criteria: Invitae Variant Classification Sherloc (09022015). Collection method: clinical testing. Allele origin: germline.
Comment: This variant has not been reported in the literature in individuals affected with MYH2-related conditions. This sequence change replaces glycine, which is neutral and non-polar, with alanine, which is neutral and non-polar, at codon 1284 of the MYH2 protein (p.Gly1284Ala). This variant is not present in population databases (gnomAD no frequency). Algorithms developed to predict the effect of missense changes on protein structure and function output the following: SIFT: "Tolerated"; PolyPhen-2: "Benign"; Align-GVGD: "Class C0". The alanine amino acid residue is found in multiple mammalian species, which suggests that this missense change does not adversely affect protein function. In summary, the available evidence is currently insufficient to determine the role of this variant in disease. Therefore, it has been classified as a Variant of Uncertain Significance.